The following is an entry in ClinVar:

NM_078629.4(MSL3):c.547C>T (p.Gln183Ter)

Gene: MSL3 (MSL complex subunit 3; plus strand). Cytogenetic location: Xp22.2.
Variant type: single nucleotide variant.
Coding change: c.547C>T on transcript NM_078629.4 (MANE Select); coding-DNA position 547, C replaced by T.
Protein change: p.Gln183Ter; replaces glutamine 183 with a stop codon.
Molecular consequence: nonsense.
Genome position (GRCh38, 1-based): chrX:11,762,211, C>T. VCF-style: chrX-11762211-C-T. GRCh37 (hg19) VCF-style: chrX-11780330-C-T.
Other names: c.511C>T, p.Gln171Ter (NM_001193270.2); c.100C>T, p.Gln34Ter (NM_001282174.1); c.49C>T, p.Gln17Ter (NM_006800.4); c.547C>T, p.Gln183Ter (NM_078628.2); short protein forms Q17*, Q171*, Q183*, Q34*.
Identifiers: ClinVar variation 2430277 (VCV002430277.2), dbSNP rs2518420699, ClinGen allele CA412063641.

ClinVar aggregate classification (germline): Pathogenic. Review status: criteria provided, single submitter (1 of 4 stars). 2 submissions from 2 submitters: Pathogenic (1). 1 of the submissions does not count toward it. Last evaluated 2023-01-25.

Conditions:
Basilicata-Akhtar syndrome. Also called: INTELLECTUAL DEVELOPMENTAL DISORDER, X-LINKED, SYNDROMIC, 36; MENTAL RETARDATION, X-LINKED, SYNDROMIC, BASILICATA-AKHTAR TYPE. Identifiers: MedGen C5231394, MONDO:0026730, OMIM 301032.

Allele frequency attached by ClinVar (database versions not stated): gnomAD exomes below 0.00001.
gnomAD v4.1: 1 of 1,164,523 alleles (0.000086%); highest among the groups gnomAD compares: Non-Finnish European, 0.00011%; no homozygotes.

Submissions (2):

Institute of Human Genetics, University of Leipzig Medical Center
Classification: Pathogenic for Basilicata-Akhtar syndrome. Last evaluated: 2023-01-25. Review status: criteria provided, single submitter. Criteria: ACMG Guidelines, 2015. Collection method: clinical testing. Allele origin: de novo. Affected: yes.
Comment: This variant was identified as de novo (maternity and paternity confirmed)._x000D_ Criteria applied: PVS1, PS2_MOD, PM2_SUP

Solve-RD Consortium
Classification: Likely pathogenic for Basilicata-Akhtar syndrome. Last evaluated: 2022-06-01. Review status: no assertion criteria provided. Collection method: provider interpretation. Allele origin: inherited. Affected: yes. Not counted in ClinVar's aggregate classification.
Comment: Variant confirmed as disease-causing by referring clinical team

Variant identified during reanalysis of unsolved cases by the Solve-RD project. The Solve-RD project has received funding from the European Union’s Horizon 2020 research and innovation programme under grant agreement No 779257.

Literature cited by the submitters: PubMed 39825153 (cited by Solve-RD Consortium).